The following is an entry in ClinVar:

ClinVar aggregate classification (germline): Uncertain significance (1 of 4 stars; one submission).

Submission:

GeneDx
Classification: Uncertain significance. Last evaluated: 2019-05-08. Review status: criteria provided, single submitter. Criteria: GeneDx Variant Classification Process June 2021. Collection method: clinical testing. Allele origin: germline. Affected: yes.
Comment: Not observed in large population cohorts (Lek et al., 2016); Frameshift variant predicted to result in protein truncation or nonsense mediated decay in a gene for which loss-of-function is not a known mechanism of disease; Has not been previously published as pathogenic or benign to our knowledge

NM_001690.4(ATP6V1A):c.258_265delinsGTTTATGCC (p.Ser87fs)

Gene: ATP6V1A (ATPase H+ transporting V1 subunit A; plus strand). Cytogenetic location: 3q13.31.
Variant type: Indel.
Coding change: c.258_265delinsGTTTATGCC on transcript NM_001690.4 (MANE Select); coding-DNA positions 258 to 265, CTCTGTAG replaced by GTTTATGCC.
Protein change: p.Ser87fs; shifts the reading frame from serine 87.
Molecular consequence: frameshift variant.
Genome position (GRCh38, 1-based): chr3:113,784,270-113,784,277, CTCTGTAG replaced by GTTTATGCC. VCF-style: chr3-113784270-CTCTGTAG-GTTTATGCC. GRCh37 (hg19) VCF-style: chr3-113503117-CTCTGTAG-GTTTATGCC.
Other names: short protein forms S87fs.
Identifiers: ClinVar variation 1304578 (VCV001304578.2), dbSNP rs2108029579, ClinGen allele CA2573052057.